The following is an entry in ClinVar:

ClinVar aggregate classification (germline): Uncertain significance (1 of 4 stars; one submission).

Allele frequency attached by ClinVar (database versions not stated): gnomAD exomes below 0.00001.
gnomAD v4.1: 4 of 1,614,160 alleles (0.00025%); highest among the groups gnomAD compares: Non-Finnish European, 0.00034%; no homozygotes.

Submission:

CeGaT Center for Human Genetics Tuebingen
Classification: Uncertain significance. Last evaluated: 2023-05-01. Review status: criteria provided, single submitter. Criteria: CeGaT Center For Human Genetics Tuebingen Variant Classification Criteria Version 2. Collection method: clinical testing. Allele origin: germline. Affected: yes. Observed: 1 variant allele.
Comment: BTD: PM2

NM_001370658.1(BTD):c.103G>A (p.Ala35Thr)

Gene: BTD (biotinidase; plus strand). Cytogenetic location: 3p25.1.
Variant type: single nucleotide variant.
Coding change: c.103G>A on transcript NM_001370658.1 (MANE Select); coding-DNA position 103, G replaced by A.
Protein change: p.Ala35Thr; replaces alanine 35 with threonine.
Molecular consequence: missense variant.
Genome position (GRCh38, 1-based): chr3:15,635,542, G>A. VCF-style: chr3-15635542-G-A. GRCh37 (hg19) VCF-style: chr3-15677049-G-A.
Other names: c.163G>A, p.Ala55Thr (NM_000060.4); c.103G>A, p.Ala35Thr (NM_001281723.4, NM_001281724.3, NM_001281725.3 and 37 more transcripts); short protein forms A35T, A55T.
Identifiers: ClinVar variation 2653600 (VCV002653600.24), dbSNP rs1020171739, ClinGen allele CA70613674.
Genomic context (GRCh38, chr3:15,635,542, plus strand): 5'-TGTTACGTGGTTGCCCTGGGAGCCCACACCGGGGAGGAGAGCGTGGCTGACCATCACGAG[G>A]CTGAATATTATGTGGCTGCCGTGTATGAGCATCCATCCATCCTGAGTCTGAACCCTCTGG-3'
Protein context (NP_001357587.1, residues 25-45): GEESVADHHE[Ala35Thr]EYYVAAVYEH